The following is an entry in ClinVar:

NM_018062.4(FANCL):c.558_561dup (p.Ser188delinsLeuTer)

Gene: FANCL (FA complementation group L; minus strand). Cytogenetic location: 2p16.1.
Variant type: Duplication.
Coding change: c.558_561dup on transcript NM_018062.4 (MANE Select); coding-DNA positions 558 to 561, 4 bases duplicated (TTAT; older notation c.558_561dupTTAT).
Protein change: p.Ser188delinsLeuTer.
Molecular consequence: nonsense. On other transcripts: frameshift variant (1).
Genome position (GRCh38, 1-based): chr2:58,165,854-58,165,857, ATAA duplicated on the plus strand (TTAT on the coding strand, the reverse complement: FANCL is on the minus strand); duplicating any 4 consecutive bases within chr2:58,165,854-58,165,859 gives the same sequence; the c. name uses the placement nearest the transcript's 3' end. VCF-style (leftmost placement, unchanged base first): chr2-58165853-T-TATAA. GRCh37 (hg19) VCF-style: chr2-58392988-T-TATAA.
Other names: c.571_574dup, p.Ser193Leufs (NM_001114636.2); c.603_606dup, p.Ser203delinsLeuTer (NM_001374615.1); c.618_621dup, p.Ser208delinsLeuTer (NM_001410792.1).
Identifiers: ClinVar variation 2067813 (VCV002067813.4), dbSNP rs2466658232, ClinGen allele CA2580067543.

ClinVar aggregate classification (germline): Pathogenic (1 of 4 stars; one submission).

Conditions:
Fanconi anemia (FA). Also called: Fanconi's anemia. Identifiers: Orphanet 84, MedGen C0015625, MeSH D005199, MONDO:0019391.

Submission:

Labcorp Genetics (formerly Invitae), Labcorp
Classification: Pathogenic for Fanconi anemia. Last evaluated: 2023-04-18. Review status: criteria provided, single submitter. Criteria: Invitae Variant Classification Sherloc (09022015). Collection method: clinical testing. Allele origin: germline.
Comment: For these reasons, this variant has been classified as Pathogenic. ClinVar contains an entry for this variant (Variation ID: 2067813). This sequence change creates a premature translational stop signal (p.Ser188Leufs*2) in the FANCL gene. It is expected to result in an absent or disrupted protein product. Loss-of-function variants in FANCL are known to be pathogenic (PMID: 19405097, 23613520). This variant is not present in population databases (gnomAD no frequency). This variant has not been reported in the literature in individuals affected with FANCL-related conditions.

Literature cited by the submitters: PubMed 19405097; PubMed 23613520.